The following is an entry in ClinVar:

NM_000138.5(FBN1):c.6643C>A (p.Leu2215Met)

Gene: FBN1 (fibrillin 1; minus strand). Cytogenetic location: 15q21.1.
Variant type: single nucleotide variant.
Coding change: c.6643C>A on transcript NM_000138.5 (MANE Select); coding-DNA position 6643, C replaced by A.
Protein change: p.Leu2215Met; replaces leucine 2215 with methionine.
Molecular consequence: missense variant.
Genome position (GRCh38, 1-based): chr15:48,432,962, G>T on the plus strand (C>A on the coding strand, the complement: FBN1 is on the minus strand). VCF-style: chr15-48432962-G-T. GRCh37 (hg19) VCF-style: chr15-48725159-G-T.
Other names: short protein forms L2215M.
Identifiers: ClinVar variation 837738 (VCV000837738.15), dbSNP rs921997271, ClinGen allele CA269523666.

ClinVar aggregate classification (germline): Uncertain significance. Review status: criteria provided, multiple submitters, no conflicts (2 of 4 stars). 7 submissions from 7 submitters: Uncertain significance (7). Last evaluated 2026-03-23.

Conditions:
Familial thoracic aortic aneurysm and aortic dissection (TAAD). Also called: Thoracic aortic aneurysms and dissections. Identifiers: Orphanet 91387, MedGen C4707243, MONDO:0019625.
Marfan syndrome (MFS). Also called: FBN1-Related Marfan Syndrome; Marfan's syndrome; MARFAN SYNDROME, TYPE I; Marfan syndrome type 1; Marfan syndrome, classic. Identifiers: Orphanet 284963, Orphanet 558, MedGen C0024796, MONDO:0007947, OMIM 154700.
Geleophysic dysplasia 2 (GPHYSD2). Identifiers: Orphanet 2623, MedGen C3280054, MONDO:0013612, OMIM 614185.
Ectopia lentis 1, isolated, autosomal dominant (ECTOL1). Identifiers: Orphanet 1885, MedGen C3541518, MONDO:0007514, OMIM 129600.
MASS syndrome (OCTD). Also called: OVERLAP CONNECTIVE TISSUE DISEASE; MASS PHENOTYPE. Identifiers: MedGen C1858556, MONDO:0011431, OMIM 604308.
Weill-Marchesani syndrome 2, dominant. Also called: FBN1-Related Weill-Marchesani Syndrome; Weill-Marchesani Syndrome, Autosomal Dominant. Identifiers: Orphanet 2084, MedGen C1869115, MONDO:0012013, OMIM 608328.
Acromicric dysplasia (ACMICD). Also called: Acromicric skeletal dysplasia. Identifiers: Orphanet 969, MedGen C0265287, MONDO:0007055, OMIM 102370.
Stiff skin syndrome (SSKS). Identifiers: Orphanet 2833, MedGen C1861456, MONDO:0008492, OMIM 184900.
Progeroid and marfanoid aspect-lipodystrophy syndrome. Also called: MARFANOID-PROGEROID-LIPODYSTROPHY SYNDROME; Marfan lipodystrophy syndrome; MARFANOID-PROGEROID SYNDROME; MARFAN-PROGEROID-LIPODYSTROPHY SYNDROME. Identifiers: Orphanet 300382, MedGen C4310796, MONDO:0014831, OMIM 616914.

Allele frequency attached by ClinVar (database versions not stated): gnomAD 0.00001; gnomAD exomes below 0.00001; TOPMed 0.00002.
gnomAD v4.1: 22 of 1,613,514 alleles (0.0014%); highest among the groups gnomAD compares: Non-Finnish European, 0.0019%; no homozygotes.

Submissions (7):

Ambry Genetics
Classification: Uncertain significance for Familial thoracic aortic aneurysm and aortic dissection. Last evaluated: 2026-03-23. Review status: criteria provided, single submitter. Criteria: Ambry Variant Classification Scheme 2023. Collection method: clinical testing. Allele origin: germline.
Comment: The p.L2215M variant (also known as c.6643C>A), located in coding exon 54 of the FBN1 gene, results from a C to A substitution at nucleotide position 6643. The leucine at codon 2215 is replaced by methionine, an amino acid with highly similar properties. This amino acid position is conserved. In addition, the in silico prediction for this alteration is inconclusive. Based on the available evidence, the clinical significance of this variant remains unclear.

Color Diagnostics, LLC DBA Color Health
Classification: Uncertain significance for Familial thoracic aortic aneurysm and aortic dissection. Last evaluated: 2024-03-06. Review status: criteria provided, single submitter. Criteria: ACMG Guidelines, 2015. Collection method: clinical testing. Allele origin: germline.
Comment: This missense variant replaces leucine with methionine at codon 2215 of the FBN1 protein. Computational prediction is inconclusive regarding the impact of this variant on protein structure and function (internally defined REVEL score threshold 0.5 < inconclusive < 0.7, PMID: 27666373). To our knowledge, functional studies have not been reported for this variant. This variant has not been reported in individuals affected with FBN1-related disorders in the literature. This variant has been identified in 1/250978 chromosomes in the general population by the Genome Aggregation Database (gnomAD). The available evidence is insufficient to determine the role of this variant in disease conclusively. Therefore, this variant is classified as a Variant of Uncertain Significance.

All of Us Research Program, National Institutes of Health
Classification: Uncertain significance for Marfan syndrome. Last evaluated: 2024-03-05. Review status: criteria provided, single submitter. Criteria: ACMG Guidelines, 2015. Collection method: clinical testing. Allele origin: germline. Inheritance: Autosomal dominant inheritance. Observed: 1 variant allele, 1 heterozygote.
Comment: This missense variant replaces leucine with methionine at codon 2215 of the FBN1 protein. Computational prediction tools and conservation analyses are inconclusive regarding the impact of this variant on the protein function. Computational splicing tools suggest that this variant may not impact RNA splicing. To our knowledge, functional assays have not been performed for this variant nor has this variant been reported in individuals affected with cardiovascular disorders in the literature. This variant has been identified in 1/250978 chromosomes in the general population by the Genome Aggregation Database (gnomAD). Available evidence is insufficient to determine the role of this variant in disease conclusively. Therefore, this variant is classified as a Variant of Uncertain Significance.

This study involves interpretation of variants in research participants for the purpose of population health screening. Participant phenotype was not available at the time of variant classification. Additional details can be found in publication PMID: 35346344, PMCID: PMC8962531

Labcorp Genetics (formerly Invitae), Labcorp
Classification: Uncertain significance for Marfan syndrome; Familial thoracic aortic aneurysm and aortic dissection. Last evaluated: 2023-07-16. Review status: criteria provided, single submitter. Criteria: Invitae Variant Classification Sherloc (09022015). Collection method: clinical testing. Allele origin: germline.
Comment: This sequence change replaces leucine, which is neutral and non-polar, with methionine, which is neutral and non-polar, at codon 2215 of the FBN1 protein (p.Leu2215Met). This variant is present in population databases (no rsID available, gnomAD 0.0009%). This variant has not been reported in the literature in individuals affected with FBN1-related conditions. ClinVar contains an entry for this variant (Variation ID: 837738). Advanced modeling of protein sequence and biophysical properties (such as structural, functional, and spatial information, amino acid conservation, physicochemical variation, residue mobility, and thermodynamic stability) has been performed at Invitae for this missense variant, however the output from this modeling did not meet the statistical confidence thresholds required to predict the impact of this variant on FBN1 protein function. In summary, the available evidence is currently insufficient to determine the role of this variant in disease. Therefore, it has been classified as a Variant of Uncertain Significance.

Women's Health and Genetics/Laboratory Corporation of America, LabCorp
Classification: Uncertain significance. Last evaluated: 2023-05-22. Review status: criteria provided, single submitter. Criteria: LabCorp Variant Classification Summary - May 2015. Collection method: clinical testing. Allele origin: germline.
Comment: Variant summary: FBN1 c.6643C>A (p.Leu2215Met) results in a conservative amino acid change located in the EGF-like domain (IPR000742) of the encoded protein sequence. Three of five in-silico tools predict a damaging effect of the variant on protein function. The variant allele was found at a frequency of 4e-06 in 250978 control chromosomes (gnomAD) . The available data on variant occurrences in the general population are insufficient to allow any conclusion about variant significance. To our knowledge, no occurrence of c.6643C>A in individuals affected with Marfan Syndrome and no experimental evidence demonstrating its impact on protein function have been reported. Three ClinVar submitters have assessed the variant since 2014: all three classified the variant as uncertain significance. Based on the evidence outlined above, the variant was classified as uncertain significance.

Blueprint Genetics
Classification: Uncertain significance. Last evaluated: 2022-06-07. Review status: criteria provided, single submitter. Criteria: ACMG Guidelines, 2015. Collection method: clinical testing. Allele origin: germline.

Fulgent Genetics
Classification: Uncertain significance for Acromicric dysplasia; Ectopia lentis 1, isolated, autosomal dominant; Marfan syndrome; Stiff skin syndrome; MASS syndrome; Weill-Marchesani syndrome 2, dominant; Geleophysic dysplasia 2; Progeroid and marfanoid aspect-lipodystrophy syndrome. Last evaluated: 2021-08-25. Review status: criteria provided, single submitter. Criteria: ACMG Guidelines, 2015. Collection method: clinical testing. Allele origin: unknown.